The following is an entry in ClinVar:

NM_006949.4(STXBP2):c.817G>C (p.Glu273Gln)

Gene: STXBP2 (syntaxin binding protein 2; plus strand). Cytogenetic location: 19p13.2.
Variant type: single nucleotide variant.
Coding change: c.817G>C on transcript NM_006949.4 (MANE Select); coding-DNA position 817, G replaced by C.
Protein change: p.Glu273Gln; replaces glutamic acid 273 with glutamine.
Molecular consequence: missense variant. On other transcripts: non-coding transcript variant (1).
Genome position (GRCh38, 1-based): chr19:7,642,451, G>C. VCF-style: chr19-7642451-G-C. GRCh37 (hg19) VCF-style: chr19-7707337-G-C.
Other names: c.808G>C, p.Glu270Gln (NM_001127396.3); c.850G>C, p.Glu284Gln (NM_001272034.2); c.721G>C, p.Glu241Gln (NM_001414484.1); short protein forms E270Q, E241Q, E273Q, E284Q.
Identifiers: ClinVar variation 2037583 (VCV002037583.4), dbSNP rs765370350, ClinGen allele CA403159699.

ClinVar aggregate classification (germline): Uncertain significance (1 of 4 stars; one submission).

Conditions:
Familial hemophagocytic lymphohistiocytosis 5. Also called: STXBP2-Related Familial Hemophagocytic Lymphohistiocytosis (STXBP2-fHLH). Identifiers: Orphanet 540, MedGen C2751293, MONDO:0013135, OMIM 613101.

gnomAD v4.1: 1 of 1,613,986 alleles (0.000062%); highest among the groups gnomAD compares: South Asian, 0.0011%; no homozygotes.

Submission:

Labcorp Genetics (formerly Invitae), Labcorp
Classification: Uncertain significance for Familial hemophagocytic lymphohistiocytosis 5. Last evaluated: 2022-08-22. Review status: criteria provided, single submitter. Criteria: Invitae Variant Classification Sherloc (09022015). Collection method: clinical testing. Allele origin: germline.
Comment: Algorithms developed to predict the effect of missense changes on protein structure and function are either unavailable or do not agree on the potential impact of this missense change (SIFT: "Tolerated"; PolyPhen-2: "Possibly Damaging"; Align-GVGD: "Class C0"). In summary, the available evidence is currently insufficient to determine the role of this variant in disease. Therefore, it has been classified as a Variant of Uncertain Significance. This variant has not been reported in the literature in individuals affected with STXBP2-related conditions. This variant is present in population databases (no rsID available, gnomAD 0.003%). This sequence change replaces glutamic acid, which is acidic and polar, with glutamine, which is neutral and polar, at codon 273 of the STXBP2 protein (p.Glu273Gln).